The following is an entry in ClinVar:

NM_000301.5(PLG):c.160G>A (p.Glu54Lys)

Gene: PLG (plasminogen; plus strand). Cytogenetic location: 6q26.
Variant type: single nucleotide variant.
Coding change: c.160G>A on transcript NM_000301.5 (MANE Select); coding-DNA position 160, G replaced by A.
Protein change: p.Glu54Lys; replaces glutamic acid 54 with lysine.
Molecular consequence: missense variant.
Genome position (GRCh38, 1-based): chr6:160,706,517, G>A. VCF-style: chr6-160706517-G-A. GRCh37 (hg19) VCF-style: chr6-161127549-G-A.
Other names: c.160G>A, p.Glu54Lys (NM_001168338.1); short protein forms E54K.
Identifiers: ClinVar variation 2735376 (VCV002735376.4), dbSNP rs781448572, ClinGen allele CA4087309.

ClinVar aggregate classification (germline): Uncertain significance. Review status: criteria provided, multiple submitters, no conflicts (2 of 4 stars). 2 submissions from 2 submitters: Uncertain significance (2). Last evaluated 2024-08-08.

Conditions:
Plasminogen deficiency, type I. Also called: Hypoplasminogenemia; Type 1 plasminogen deficiency. Identifiers: Orphanet 722, MedGen C1968804, MONDO:0009009, OMIM 217090.
Angioedema, hereditary, 4. Identifiers: MedGen C5543503, MONDO:0025712, OMIM 619360.

Allele frequency attached by ClinVar (database versions not stated): ExAC 0.00001; TOPMed 0.00003; gnomAD exomes 0.00017.
gnomAD v4.1: 264 of 1,613,898 alleles (0.016%); highest among the groups gnomAD compares: East Asian, 0.57%; 3 homozygotes.

Submissions (2):

Labcorp Genetics (formerly Invitae), Labcorp
Classification: Uncertain significance. Last evaluated: 2024-08-08. Review status: criteria provided, single submitter. Criteria: Invitae Variant Classification Sherloc (09022015). Collection method: clinical testing. Allele origin: germline.
Comment: This sequence change replaces glutamic acid, which is acidic and polar, with lysine, which is basic and polar, at codon 54 of the PLG protein (p.Glu54Lys). This variant is present in population databases (rs781448572, gnomAD 0.02%). This variant has not been reported in the literature in individuals affected with PLG-related conditions. An algorithm developed to predict the effect of missense changes on protein structure and function (PolyPhen-2) suggests that this variant is likely to be disruptive. In summary, the available evidence is currently insufficient to determine the role of this variant in disease. Therefore, it has been classified as a Variant of Uncertain Significance.

Fulgent Genetics
Classification: Uncertain significance for Plasminogen deficiency, type I; Angioedema, hereditary, 4. Last evaluated: 2024-02-07. Review status: criteria provided, single submitter. Criteria: ACMG Guidelines, 2015. Collection method: clinical testing. Allele origin: germline.